The following is an entry in ClinVar:

ClinVar aggregate classification (germline): Uncertain significance (1 of 4 stars; one submission).

Allele frequency attached by ClinVar (database versions not stated): gnomAD exomes below 0.00001.

Submission:

Labcorp Genetics (formerly Invitae), Labcorp
Classification: Uncertain significance. Last evaluated: 2022-06-27. Review status: criteria provided, single submitter. Criteria: Invitae Variant Classification Sherloc (09022015). Collection method: clinical testing. Allele origin: germline.
Comment: This sequence change falls in intron 8 of the TULP1 gene. It does not directly change the encoded amino acid sequence of the TULP1 protein. It affects a nucleotide within the consensus splice site. This variant is not present in population databases (gnomAD no frequency). This variant has not been reported in the literature in individuals affected with TULP1-related conditions. Variants that disrupt the consensus splice site are a relatively common cause of aberrant splicing (PMID: 17576681, 9536098). Algorithms developed to predict the effect of sequence changes on RNA splicing suggest that this variant is not likely to affect RNA splicing. In summary, the available evidence is currently insufficient to determine the role of this variant in disease. Therefore, it has been classified as a Variant of Uncertain Significance.

Literature cited by the submitters: PubMed 17576681; PubMed 9536098.

NM_003322.6(TULP1):c.823-3C>T

Gene: TULP1 (TUB like protein 1; minus strand). Cytogenetic location: 6p21.31.
Variant type: single nucleotide variant.
Coding change: c.823-3C>T on transcript NM_003322.6 (MANE Select); 3 bases into the intron before coding-DNA position 823, C replaced by T.
Molecular consequence: intron variant.
Genome position (GRCh38, 1-based): chr6:35,506,282, G>A on the plus strand (C>T on the coding strand, the complement: TULP1 is on the minus strand). VCF-style: chr6-35506282-G-A. GRCh37 (hg19) VCF-style: chr6-35474059-G-A.
Other names: c.664-3C>T (NM_001289395.2).
Identifiers: ClinVar variation 1953590 (VCV001953590.2), dbSNP rs2533796909, ClinGen allele CA2580074494.